The following is an entry in ClinVar:

ClinVar aggregate classification (germline): Benign/Likely benign. Review status: criteria provided, multiple submitters, no conflicts (2 of 4 stars). 3 submissions from 3 submitters: Benign (1); Likely benign (2). Last evaluated 2025-02-19.

Conditions:
Hereditary cancer-predisposing syndrome. Also called: Hereditary Cancer Syndrome; Neoplastic Syndromes, Hereditary; Tumor predisposition; Hereditary neoplastic syndrome. Identifiers: Orphanet 140162, MedGen C0027672, MeSH D009386, MONDO:0015356.
Lynch syndrome 4 (LYNCH4). Also called: Colorectal cancer, hereditary nonpolyposis, type 4; Hereditary non-polyposis colorectal cancer, type 4. Identifiers: Orphanet 144, MedGen C1838333, MONDO:0013699, OMIM 614337. Disease mechanism: loss of function.

Submissions (3):

Ambry Genetics
Classification: Likely benign for Hereditary cancer-predisposing syndrome. Last evaluated: 2025-02-19. Review status: criteria provided, single submitter. Criteria: Ambry Variant Classification Scheme 2023. Collection method: clinical testing. Allele origin: germline.

Myriad Genetics, Inc.
Classification: Benign for Lynch syndrome 4. Last evaluated: 2025-01-24. Review status: criteria provided, single submitter. Criteria: Myriad Autosomal Dominant, Autosomal Recessive and X-Linked Classification Criteria (2023). Collection method: clinical testing. Allele origin: unknown.
Comment: This variant is considered benign. This variant is a silent/synonymous amino acid change and it is not expected to impact splicing.

Women's Health and Genetics/Laboratory Corporation of America, LabCorp
Classification: Likely benign. Last evaluated: 2020-10-05. Review status: criteria provided, single submitter. Criteria: LabCorp Variant Classification Summary - May 2015. Collection method: clinical testing. Allele origin: germline.
Comment: Variant summary: PMS2 c.372C>G alters a non-conserved nucleotide resulting in a synonymous change. 4/4 computational tools predict no significant impact on normal splicing. However, these predictions have yet to be confirmed by functional studies. The variant was absent in 251142 control chromosomes. The available data on variant occurrences in the general population are insufficient to allow any conclusion about variant significance. To our knowledge, no occurrence of c.372C>G in individuals affected with Lynch Syndrome and no experimental evidence demonstrating its impact on protein function have been reported. No clinical diagnostic laboratories have submitted clinical-significance assessments for this variant to ClinVar after 2014. Based on the evidence outlined above, the variant was classified as likely benign.

NM_000535.7(PMS2):c.372C>G (p.Thr124=)

Gene: PMS2 (PMS1 homolog 2, mismatch repair system component; minus strand). Cytogenetic location: 7p22.1.
Variant type: single nucleotide variant.
Coding change: c.372C>G on transcript NM_000535.7 (MANE Select); coding-DNA position 372, C replaced by G.
Protein change: p.Thr124=; no amino-acid change (threonine 124 retained).
Molecular consequence: synonymous variant. On other transcripts: 5 prime UTR variant (8), non-coding transcript variant (1).
Genome position (GRCh38, 1-based): chr7:6,002,618, G>C on the plus strand (C>G on the coding strand, the complement: PMS2 is on the minus strand). VCF-style: chr7-6002618-G-C. GRCh37 (hg19) VCF-style: chr7-6042249-G-C.
Other names: c.-34C>G (NM_001322003.2, NM_001322004.2, NM_001322005.2 and 3 more transcripts); c.372C>G, p.Thr124= (NM_001322006.2, NM_001322014.2); c.54C>G, p.Thr18= (NM_001322007.2, NM_001322008.2); c.-513C>G (NM_001322011.2, NM_001322012.2); c.63C>G, p.Thr21= (NM_001322015.2); c.372C>G (NM_000535.5).
Identifiers: ClinVar variation 984458 (VCV000984458.3), dbSNP rs1060504836, ClinGen allele CA453647747.